The following is an entry in ClinVar:

NM_013382.7(POMT2):c.1484+136T>C

Gene: POMT2 (protein O-mannosyltransferase 2; minus strand). Cytogenetic location: 14q24.3.
Variant type: single nucleotide variant.
Coding change: c.1484+136T>C on transcript NM_013382.7 (MANE Select); 136 bases into the intron after coding-DNA position 1484, T replaced by C.
Molecular consequence: intron variant.
Genome position (GRCh38, 1-based): chr14:77,285,345, A>G on the plus strand (T>C on the coding strand, the complement: POMT2 is on the minus strand). VCF-style: chr14-77285345-A-G. GRCh37 (hg19) VCF-style: chr14-77751688-A-G.
Identifiers: ClinVar variation 673022 (VCV000673022.2), dbSNP rs58212324, ClinGen allele CA263823310.
Genomic context (GRCh38, chr14:77,285,345, plus strand): 5'-GAACACATAAAACACCGAAGCTCCCCCGGAGTTCTGTGCTCCATAATACACCTGATATCT[A>G]CTCTCCCTCCATCTGCCACTAAGAACAAGCAGACAGCAGGTGAACACAGGAAAACAAAAG-3'

ClinVar aggregate classification (germline): Benign. Review status: criteria provided, multiple submitters, no conflicts (2 of 4 stars). 2 submissions from 2 submitters: Benign (2). Last evaluated 2018-06-14.

Allele frequency attached by ClinVar (database versions not stated): 1000 Genomes Project 0.05751; gnomAD 0.05768; 1000 Genomes Project 30x 0.05934; TOPMed 0.06093.
gnomAD v4.1: 52,843 of 1,189,110 alleles (4.4%); highest among the groups gnomAD compares: African/African-American, 12%; 1,484 homozygotes.

Submissions (2):

GeneDx
Classification: Benign. Last evaluated: 2018-06-14. Review status: criteria provided, single submitter. Criteria: GeneDx Variant Classification (06012015). Collection method: clinical testing. Allele origin: germline. Affected: yes.
Comment: This variant is considered likely benign or benign based on one or more of the following criteria: it is a conservative change, it occurs at a poorly conserved position in the protein, it is predicted to be benign by multiple in silico algorithms, and/or has population frequency not consistent with disease.

Breakthrough Genomics
Classification: Benign. Review status: criteria provided, single submitter. Criteria: ACMG Guidelines, 2015. Collection method: not provided. Allele origin: germline. Inheritance: Autosomal recessive inheritance. Affected: yes.